The following is an entry in ClinVar:

NM_004523.4(KIF11):c.98G>A (p.Arg33Gln)

Gene: KIF11 (kinesin family member 11; plus strand). Cytogenetic location: 10q23.33.
Variant type: single nucleotide variant.
Coding change: c.98G>A on transcript NM_004523.4 (MANE Select); coding-DNA position 98, G replaced by A.
Protein change: p.Arg33Gln; replaces arginine 33 with glutamine.
Molecular consequence: missense variant.
Genome position (GRCh38, 1-based): chr10:92,606,285, G>A. VCF-style: chr10-92606285-G-A. GRCh37 (hg19) VCF-style: chr10-94366042-G-A.
Other names: c.98G>A (NM_004523.3); short protein forms R33Q.
Identifiers: ClinVar variation 1958847 (VCV001958847.7), dbSNP rs1282064424, ClinGen allele CA377587715.

ClinVar aggregate classification (germline): Conflicting classifications of pathogenicity. Review status: criteria provided, conflicting classifications (1 of 4 stars). 3 submissions from 3 submitters: Uncertain significance (2); Likely benign (1). Last evaluated 2024-11-06.

Conditions:
KIF11-related disorder. Also called: KIF11-related condition.

gnomAD v4.1: 4 of 1,596,690 alleles (0.00025%); highest among the groups gnomAD compares: African/African-American, 0.0013%; no homozygotes.

Submissions (3):

PreventionGenetics, part of Exact Sciences
Classification: Uncertain significance for KIF11-related condition. Last evaluated: 2024-11-06. Review status: criteria provided, single submitter. Criteria: ACMG Guidelines, 2015. Collection method: clinical testing. Allele origin: germline.
Comment: The KIF11 c.98G>A variant is predicted to result in the amino acid substitution p.Arg33Gln. To our knowledge, this variant has not been reported in the literature. This variant is reported in 0.0062% of alleles in individuals of African descent in gnomAD. At this time, the clinical significance of this variant is uncertain due to the absence of conclusive functional and genetic evidence.

Blueprint Genetics
Classification: Uncertain significance. Last evaluated: 2024-03-04. Review status: criteria provided, single submitter. Criteria: ACMG Guidelines, 2015. Collection method: clinical testing. Allele origin: germline.

Labcorp Genetics (formerly Invitae), Labcorp
Classification: Likely benign. Last evaluated: 2023-08-17. Review status: criteria provided, single submitter. Criteria: Invitae Variant Classification Sherloc (09022015). Collection method: clinical testing. Allele origin: germline.